The following is an entry in ClinVar:

NM_015295.3(SMCHD1):c.74A>G (p.His25Arg)

Gene: SMCHD1 (structural maintenance of chromosomes flexible hinge domain containing 1; plus strand). Cytogenetic location: 18p11.32.
Variant type: single nucleotide variant.
Coding change: c.74A>G on transcript NM_015295.3 (MANE Select); coding-DNA position 74, A replaced by G.
Protein change: p.His25Arg; replaces histidine 25 with arginine.
Molecular consequence: missense variant.
Genome position (GRCh38, 1-based): chr18:2,656,149, A>G. VCF-style: chr18-2656149-A-G. GRCh37 (hg19) VCF-style: chr18-2656148-A-G.
Other names: short protein forms H25R.
Identifiers: ClinVar variation 2859837 (VCV002859837.3), dbSNP rs2510079263, ClinGen allele CA401684839.

ClinVar aggregate classification (germline): Uncertain significance (1 of 4 stars; one submission).

Conditions:
Facioscapulohumeral muscular dystrophy 2 (FSHD2). Also called: MUSCULAR DYSTROPHY, FACIOSCAPULOHUMERAL, TYPE 1B; FACIOSCAPULOHUMERAL MUSCULAR DYSTROPHY 2, DIGENIC; FSHD2, DIGENIC. Identifiers: Orphanet 269, MedGen C1834671, MONDO:0008031, OMIM 158901.

Allele frequency attached by ClinVar (database versions not stated): gnomAD exomes 0.00001.
gnomAD v4.1: 3 of 1,510,010 alleles (0.0002%); highest among the groups gnomAD compares: Non-Finnish European, 0.00026%; no homozygotes.

Submission:

Labcorp Genetics (formerly Invitae), Labcorp
Classification: Uncertain significance for Facioscapulohumeral muscular dystrophy 2. Last evaluated: 2023-02-01. Review status: criteria provided, single submitter. Criteria: Invitae Variant Classification Sherloc (09022015). Collection method: clinical testing. Allele origin: germline.
Comment: In summary, the available evidence is currently insufficient to determine the role of this variant in disease. Therefore, it has been classified as a Variant of Uncertain Significance. Algorithms developed to predict the effect of missense changes on protein structure and function output the following: SIFT: "Tolerated"; PolyPhen-2: "Benign"; Align-GVGD: "Class C0". The arginine amino acid residue is found in multiple mammalian species, which suggests that this missense change does not adversely affect protein function. This variant has not been reported in the literature in individuals affected with SMCHD1-related conditions. This variant is not present in population databases (gnomAD no frequency). This sequence change replaces histidine, which is basic and polar, with arginine, which is basic and polar, at codon 25 of the SMCHD1 protein (p.His25Arg).